The following is an entry in ClinVar:

NM_003839.4(TNFRSF11A):c.*1810G>C

Gene: TNFRSF11A (TNF receptor superfamily member 11a; plus strand). Cytogenetic location: 18q21.33.
Variant type: single nucleotide variant.
Coding change: c.*1810G>C on transcript NM_003839.4 (MANE Select); 1810 bases downstream of the stop codon, G replaced by C.
Molecular consequence: 3 prime UTR variant.
Genome position (GRCh38, 1-based): chr18:62,386,844, G>C. VCF-style: chr18-62386844-G-C. GRCh37 (hg19) VCF-style: chr18-60054077-G-C.
Other names: c.*2085G>C (NM_001270949.2); c.*1810G>C (NM_001270950.2, NM_001270951.2, NM_001278268.2).
Identifiers: ClinVar variation 889188 (VCV000889188.5), dbSNP rs72933640, ClinGen allele CA14538810.

ClinVar aggregate classification (germline): Benign. Review status: criteria provided, multiple submitters, no conflicts (2 of 4 stars). 3 submissions from 2 submitters: Benign (3). Last evaluated 2018-01-13.

Conditions:
Autosomal recessive osteopetrosis 7. Identifiers: Orphanet 178389, MedGen C2676766, MONDO:0012859, OMIM 612301.
Paget disease of bone 2, early-onset (PDB2). Also called: Paget disease of bone 2. Identifiers: MedGen C4085251, MONDO:0011183, OMIM 602080.

Allele frequency attached by ClinVar (database versions not stated): 1000 Genomes Project 0.03814; 1000 Genomes Project 30x 0.03919; TOPMed 0.06725; gnomAD 0.07119 and 0.07294.

Submissions (3):

Illumina Laboratory Services, Illumina
Classification: Benign for Paget disease of bone 2, early-onset. Last evaluated: 2018-01-13. Review status: criteria provided, single submitter. Criteria: ICSL Variant Classification Criteria 13 December 2019. Collection method: clinical testing. Allele origin: germline.
Comment: This variant was observed in the ICSL laboratory as part of a predisposition screen in an ostensibly healthy population. It had not been previously curated by ICSL or reported in the Human Gene Mutation Database (HGMD: prior to June 1st, 2018), and was therefore a candidate for classification through an automated scoring system. Utilizing variant allele frequency, disease prevalence and penetrance estimates, and inheritance mode, an automated score was calculated to assess if this variant is too frequent to cause the disease. Based on the score and internal cut-off values, a variant classified as benign is not then subjected to further curation. The score for this variant resulted in a classification of benign for this disease.

Illumina Laboratory Services, Illumina
Classification: Benign for Autosomal recessive osteopetrosis 7. Last evaluated: 2018-01-13. Review status: criteria provided, single submitter. Criteria: ICSL Variant Classification Criteria 13 December 2019. Collection method: clinical testing. Allele origin: germline.
Comment: the same text as in the submission from Illumina Laboratory Services, Illumina above.

Breakthrough Genomics
Classification: Benign. Review status: criteria provided, single submitter. Criteria: ACMG Guidelines, 2015. Collection method: not provided. Allele origin: germline. Inheritance: Autosomal recessive inheritance. Affected: yes.